The following is an entry in ClinVar:

NM_000194.2(HPRT1):c.151C>T (p.Arg51Ter)

Gene: HPRT1 (hypoxanthine phosphoribosyltransferase 1; plus strand). Cytogenetic location: Xq26.2.
Variant type: single nucleotide variant.
Coding change: c.151C>T on transcript NM_000194.2; coding-DNA position 151, C replaced by T.
Protein change: p.Arg51Ter; replaces arginine 51 with a stop codon.
Molecular consequence: nonsense (on NM_000194.3).
Genome position (GRCh38, 1-based): chrX:134,475,197, C>T. VCF-style: chrX-134475197-C-T. GRCh37 (hg19) VCF-style: chrX-133609227-C-T.
Other names: c.151C>T, p.Arg51Ter (NM_000194.3); short protein forms R51*.
Identifiers: ClinVar variation 10060 (VCV000010060.22), dbSNP rs137852494, ClinGen allele CA120902.
Genomic context (GRCh38, chrX:134,475,197, plus strand): 5'-AATGTATGAAACTTTCTATTAAATTCCTGATTTTATTTCTGTAGGACTGAACGTCTTGCT[C>T]GAGATGTGATGAAGGAGATGGGAGGCCATCACATTGTAGCCCTCTGTGTGCTCAAGGGGG-3'

ClinVar aggregate classification (germline): Pathogenic. Review status: criteria provided, multiple submitters, no conflicts (2 of 4 stars). 8 submissions from 7 submitters: Pathogenic (5). 3 of the submissions do not count toward it. Last evaluated 2025-06-22.

Conditions:
HPRT FUJIMI.
Lesch-Nyhan syndrome (LNS). Also called: HPRT DEFICIENCY, COMPLETE; Lesch-Nyhan Disease (LND). Identifiers: Orphanet 510, MedGen C0023374, MONDO:0010298, OMIM 300322.
Partial hypoxanthine-guanine phosphoribosyltransferase deficiency. Also called: HPRT DEFICIENCY, PARTIAL; HYPOXANTHINE GUANINE PHOSPHORIBOSYLTRANSFERASE 1 DEFICIENCY, PARTIAL; HPRT1 DEFICIENCY, PARTIAL; Kelley-Seegmiller Syndrome; GOUT, HPRT-RELATED. Identifiers: Orphanet 79233, MedGen C0268117, MONDO:0010299, OMIM 300323.
Microcephaly. Also called: Microcephaly (disease). Identifiers: MedGen C4551563, MONDO:0001149, HP:0000252.

Submissions (8):

Labcorp Genetics (formerly Invitae), Labcorp
Classification: Pathogenic for Lesch-Nyhan syndrome; Partial hypoxanthine-guanine phosphoribosyltransferase deficiency. Last evaluated: 2025-06-22. Review status: criteria provided, single submitter. Criteria: Invitae Variant Classification Sherloc (09022015). Collection method: clinical testing. Allele origin: germline.
Comment: This sequence change creates a premature translational stop signal (p.Arg51*) in the HPRT1 gene. It is expected to result in an absent or disrupted protein product. Loss-of-function variants in HPRT1 are known to be pathogenic (PMID: 15571220, 17027311, 22157001). This variant is not present in population databases (gnomAD no frequency). This premature translational stop signal has been observed in individuals with Lesch-Nyhan disease (PMID: 17027311, 25481104). ClinVar contains an entry for this variant (Variation ID: 10060). For these reasons, this variant has been classified as Pathogenic.

3billion
Classification: Pathogenic for Lesch-Nyhan syndrome. Last evaluated: 2024-09-02. Review status: criteria provided, single submitter. Criteria: ACMG Guidelines, 2015. Collection method: clinical testing. Allele origin: germline. Affected: yes.
Comment: The variant is not observed in the gnomAD v4.0.0 dataset. Predicted Consequence/Location: Stop-gained (nonsense): predicted to result in a loss or disruption of normal protein function through nonsense-mediated decay (NMD) or protein truncation. Multiple pathogenic variants are reported downstream of the variant. The variant has been reported at least twice as pathogenic with clinical assertions and evidence for the classification (ClinVar ID: VCV000010060 /PMID: 2323782 /3billion dataset). Therefore, this variant is classified as Pathogenic according to the recommendation of ACMG/AMP guideline.

GeneDx
Classification: Pathogenic. Last evaluated: 2023-10-25. Review status: criteria provided, single submitter. Criteria: GeneDx Variant Classification Process June 2021. Collection method: clinical testing. Allele origin: germline. Affected: yes.
Comment: Identified in multiple unrelated patients with clinical features consistent with Lesch-Nyhan syndrome in published literature (Oh et al., 2011; Fu et al., 2015; Cho et al., 2019; Madeo et al., 2019); Nonsense variant predicted to result in protein truncation or nonsense mediated decay in a gene for which loss of function is a known mechanism of disease; Not observed at significant frequency in large population cohorts (gnomAD); This variant is associated with the following publications: (PMID: 21331772, 25525159, 25481104, 2323782, 8946118, 31624056, 16336979, 31129767, 31182398, 33584783, 35559039)

Genomic Research Center, Shahid Beheshti University of Medical Sciences
Classification: Pathogenic for Lesch-Nyhan syndrome. Last evaluated: 2019-01-01. Review status: criteria provided, single submitter. Criteria: ACMG Guidelines, 2015. Collection method: clinical testing. Allele origin: unknown. Affected: yes. Observed: 1 variant allele.

Eurofins Ntd Llc (ga)
Classification: Pathogenic. Last evaluated: 2013-12-02. Review status: criteria provided, single submitter. Criteria: EGL Classification Definitions 2015. Collection method: clinical testing. Allele origin: germline. Observed: 1 variant allele, 1 heterozygote, 1 hemizygote.

OMIM
Classification: other for HPRT FUJIMI. Last evaluated: 2011-05-12. Review status: no assertion criteria provided. Collection method: literature only. Allele origin: germline. Not counted in ClinVar's aggregate classification.

OMIM
Classification: Pathogenic for LESCH-NYHAN SYNDROME. Last evaluated: 1990-04-01. Review status: no assertion criteria provided. Collection method: literature only. Allele origin: germline. Not counted in ClinVar's aggregate classification.

Department of Pediatrics, Samsung Medical Center, Samsung Medical Center
Classification: Uncertain significance for Microcephaly. Review status: no assertion criteria provided. Criteria: ACMG Guidelines, 2015. Collection method: research. Allele origin: germline. Affected: yes. Not counted in ClinVar's aggregate classification.

Literature cited by the submitters: PubMed 15571220 (cited by Labcorp Genetics (formerly Invitae), Labcorp); PubMed 17027311 (cited by Labcorp Genetics (formerly Invitae), Labcorp); PubMed 22157001 (cited by Labcorp Genetics (formerly Invitae), Labcorp); PubMed 25481104 (cited by Labcorp Genetics (formerly Invitae), Labcorp); PubMed 2323782 (cited by 3 submitters); PubMed 23975452 (cited by Eurofins Ntd Llc (ga)).